The following is an entry in ClinVar:

NM_032242.4(PLXNA1):c.4488G>A (p.Gln1496=)

Gene: PLXNA1 (plexin A1; plus strand). Cytogenetic location: 3q21.3.
Variant type: single nucleotide variant.
Coding change: c.4488G>A on transcript NM_032242.4 (MANE Select); coding-DNA position 4488, G replaced by A.
Protein change: p.Gln1496=; no amino-acid change (glutamine 1496 retained).
Molecular consequence: synonymous variant.
Genome position (GRCh38, 1-based): chr3:127,028,065, G>A. VCF-style: chr3-127028065-G-A. GRCh37 (hg19) VCF-style: chr3-126746908-G-A.
Other names: c.4488G>A (NM_032242.3).
Identifiers: ClinVar variation 3010182 (VCV003010182.4), dbSNP rs1010726495, ClinGen allele CA83335209.

ClinVar aggregate classification (germline): Likely benign. Review status: criteria provided, single submitter (1 of 4 stars). 2 submissions from 2 submitters: Likely benign (1). 1 of the submissions does not count toward it. Last evaluated 2024-03-20.

Conditions:
PLXNA1-related disorder. Also called: PLXNA1-related condition.

Allele frequency attached by ClinVar (database versions not stated): gnomAD exomes below 0.00001.

Submissions (2):

Labcorp Genetics (formerly Invitae), Labcorp
Classification: Likely benign. Last evaluated: 2024-03-20. Review status: criteria provided, single submitter. Criteria: Invitae Variant Classification Sherloc (09022015). Collection method: clinical testing. Allele origin: germline.

PreventionGenetics, part of Exact Sciences
Classification: Likely benign for PLXNA1-related condition. Last evaluated: 2024-09-06. Review status: no assertion criteria provided. Collection method: clinical testing. Allele origin: germline. Not counted in ClinVar's aggregate classification.
Comment: This variant is classified as likely benign based on ACMG/AMP sequence variant interpretation guidelines (Richards et al. 2015 PMID: 25741868, with internal and published modifications).